The following is an entry in ClinVar:

ClinVar aggregate classification (germline): Uncertain significance. Review status: criteria provided, multiple submitters, no conflicts (2 of 4 stars). 2 submissions from 2 submitters: Uncertain significance (2). Last evaluated 2025-04-16.

Conditions:
Inborn genetic diseases. Identifiers: MedGen C0950123, MeSH D030342.

gnomAD v4.1: 1 of 1,614,084 alleles (0.000062%); highest among the groups gnomAD compares: Non-Finnish European, 0.000085%; no homozygotes.

Submissions (2):

Labcorp Genetics (formerly Invitae), Labcorp
Classification: Uncertain significance. Last evaluated: 2025-04-16. Review status: criteria provided, single submitter. Criteria: Invitae Variant Classification Sherloc (09022015). Collection method: clinical testing. Allele origin: germline.
Comment: This sequence change replaces alanine, which is neutral and non-polar, with serine, which is neutral and polar, at codon 637 of the ANKRD26 protein (p.Ala637Ser). This variant is not present in population databases (gnomAD no frequency). This variant has not been reported in the literature in individuals affected with ANKRD26-related conditions. An algorithm developed to predict the effect of missense changes on protein structure and function (PolyPhen-2) suggests that this variant is likely to be tolerated. In summary, the available evidence is currently insufficient to determine the role of this variant in disease. Therefore, it has been classified as a Variant of Uncertain Significance.

Ambry Genetics
Classification: Uncertain significance for Inborn genetic diseases. Last evaluated: 2025-04-03. Review status: criteria provided, single submitter. Criteria: Ambry Variant Classification Scheme 2023. Collection method: clinical testing. Allele origin: germline.
Comment: The p.A637S variant (also known as c.1909G>T), located in coding exon 18 of the ANKRD26 gene, results from a G to T substitution at nucleotide position 1909. The alanine at codon 637 is replaced by serine, an amino acid with similar properties. This amino acid position is conserved. In addition, this alteration is predicted to be tolerated by in silico analysis. Based on the available evidence, the clinical significance of this variant remains unclear.

NM_014915.3(ANKRD26):c.1909G>T (p.Ala637Ser)

Gene: ANKRD26 (ankyrin repeat domain 26; minus strand). Cytogenetic location: 10p12.1.
Variant type: single nucleotide variant.
Coding change: c.1909G>T on transcript NM_014915.3 (MANE Select); coding-DNA position 1909, G replaced by T.
Protein change: p.Ala637Ser; replaces alanine 637 with serine.
Molecular consequence: missense variant.
Genome position (GRCh38, 1-based): chr10:27,046,429, C>A on the plus strand (G>T on the coding strand, the complement: ANKRD26 is on the minus strand). VCF-style: chr10-27046429-C-A. GRCh37 (hg19) VCF-style: chr10-27335358-C-A.
Other names: c.1906G>T, p.Ala636Ser (NM_001256053.2); short protein forms A636S, A637S.
Identifiers: ClinVar variation 3913546 (VCV003913546.2).
Genomic context (GRCh38, chr10:27,046,429, plus strand): 5'-CTATTTCACTTAAACTGCTGTCATCATCCACTTGTAGCAGGCCACCAGTTAGTAAACTGG[C>A]CTTCCCAAACACTGGTGAATTCACAGATTCTTTCGAGGTCCGTTTTTCTTTTTCAGTGCT-3'
Protein context (NP_055730.2, residues 627-647): ESVNSPVFGK[Ala637Ser]SLLTGGLLQV